The following is an entry in ClinVar:

ClinVar aggregate classification (germline): Likely pathogenic (1 of 4 stars; one submission).

Conditions:
Carnitine palmitoyl transferase 1A deficiency. Also called: CPT I DEFICIENCY; CPT DEFICIENCY, HEPATIC, TYPE I; Carnitine palmitoyltransferase type I deficiency; CPT deficiency, hepatic, type IA; Carnitine palmitoyltransferase 1A deficiency. Identifiers: Orphanet 156, MedGen C1829703, MONDO:0009705, OMIM 255120.

Submission:

Natera, Inc.
Classification: Likely pathogenic for Carnitine palmitoyltransferase type I deficiency. Last evaluated: 2024-11-27. Review status: criteria provided, single submitter. Criteria: Natera Variant Classification Schema (03/2026). Collection method: clinical testing. Allele origin: germline.
Comment: The c.968-1G>A variant in CPT1A is a canonical splice acceptor site variant predicted to affect pre-mRNA splicing, which may result in an abnormal transcript and altered protein product. This variant is expected to result in nonsense mediated decay, truncation, or a dysfunctional protein product. This variant is rare in the general population with a frequency below the threshold expected for the associated phenotype(s). Given the available evidence, this variant is classified as Likely Pathogenic.

NM_001876.4(CPT1A):c.968-1G>A

Gene: CPT1A (carnitine palmitoyltransferase 1A; minus strand). Cytogenetic location: 11q13.3.
Variant type: single nucleotide variant.
Coding change: c.968-1G>A on transcript NM_001876.4 (MANE Select); the canonical splice acceptor site of the intron before coding-DNA position 968, G replaced by A.
Molecular consequence: splice acceptor variant.
Genome position (GRCh38, 1-based): chr11:68,785,011, C>T on the plus strand (G>A on the coding strand, the complement: CPT1A is on the minus strand). VCF-style: chr11-68785011-C-T. GRCh37 (hg19) VCF-style: chr11-68552479-C-T.
Other names: c.968-1G>A (NM_001031847.3, NM_001440360.1, NM_001440358.1 and 3 more transcripts); c.860-1G>A (NM_001440363.1); c.782-1G>A (NM_001440365.1).
Identifiers: ClinVar variation 4814982 (VCV004814982.1).
Genomic context (GRCh38, chr11:68,785,011, plus strand): 5'-AGTAGCGTCCTCGATGGTACACGACGATGTGCTTGCTGTCTCTCATGTGCTGGATGGTGT[C>T]TGAGCCGGCCGCAGGTTGGAGACACAAAACCAAGAGTCCCAAGTTCAGCACGTGCTGAGA-3'